The following is an entry in ClinVar:

NM_002032.3(FTH1):c.332_333del (p.Val111fs)

Genes: BEST1 (bestrophin 1; plus strand), FTH1 (ferritin heavy chain 1; minus strand). Cytogenetic location: 11q12.3.
Variant type: Microsatellite.
Coding change: c.332_333del on transcript NM_002032.3 (MANE Select); coding-DNA positions 332 to 333, 2 bases deleted (TG; older notation c.332_333delTG).
Protein change: p.Val111fs; shifts the reading frame from valine 111.
Molecular consequence: frameshift variant.
Genome position (GRCh38, 1-based): chr11:61,965,041-61,965,042, CA deleted on the plus strand (TG on the coding strand, the reverse complement: FTH1 is on the minus strand); deleting any 2 consecutive bases within chr11:61,965,041-61,965,044 gives the same sequence; the c. name uses the placement nearest the transcript's 3' end. VCF-style (leftmost placement, unchanged base first): chr11-61965040-TCA-T. GRCh37 (hg19) VCF-style: chr11-61732512-TCA-T.
Other names: short protein forms V111fs.
Identifiers: ClinVar variation 3656121 (VCV003656121.2).

ClinVar aggregate classification (germline): Uncertain significance (1 of 4 stars; one submission).

Submission:

Labcorp Genetics (formerly Invitae), Labcorp
Classification: Uncertain significance. Last evaluated: 2024-06-10. Review status: criteria provided, single submitter. Criteria: Invitae Variant Classification Sherloc (09022015). Collection method: clinical testing. Allele origin: germline.
Comment: This sequence change creates a premature translational stop signal (p.Val111Glufs*13) in the FTH1 gene. While this is not anticipated to result in nonsense mediated decay, it is expected to disrupt the last 73 amino acid(s) of the FTH1 protein. This variant is not present in population databases (gnomAD no frequency). This variant has not been reported in the literature in individuals affected with FTH1-related conditions. In summary, the available evidence is currently insufficient to determine the role of this variant in disease. Therefore, it has been classified as a Variant of Uncertain Significance.